The following is an entry in ClinVar:

ClinVar aggregate classification (germline): Uncertain significance (0 of 4 stars; one submission).

Conditions:
DCHS2-related disorder. Also called: DCHS2-related condition.

gnomAD v4.1: 1 of 1,613,418 alleles (0.000062%); highest among the groups gnomAD compares: Non-Finnish European, 0.000085%; no homozygotes.

Submission:

PreventionGenetics, part of Exact Sciences
Classification: Uncertain significance for DCHS2-related condition. Last evaluated: 2024-03-22. Review status: no assertion criteria provided. Collection method: clinical testing. Allele origin: germline.
Comment: The DCHS2 c.2404A>G variant is predicted to result in the amino acid substitution p.Ile802Val. To our knowledge, this variant has not been reported in the literature. This variant is reported in 0.00088% of alleles in individuals of European (Non-Finnish) descent in gnomAD. At this time, the clinical significance of this variant is uncertain due to the absence of conclusive functional and genetic evidence.

NM_001358235.2(DCHS2):c.2404A>G (p.Ile802Val)

Gene: DCHS2 (dachsous cadherin-related 2; minus strand). Cytogenetic location: 4q31.3.
Variant type: single nucleotide variant.
Coding change: c.2404A>G on transcript NM_001358235.2 (MANE Select); coding-DNA position 2404, A replaced by G.
Protein change: p.Ile802Val; replaces isoleucine 802 with valine.
Molecular consequence: missense variant.
Genome position (GRCh38, 1-based): chr4:154,366,282, T>C on the plus strand (A>G on the coding strand, the complement: DCHS2 is on the minus strand). VCF-style: chr4-154366282-T-C. GRCh37 (hg19) VCF-style: chr4-155287434-T-C.
Other names: c.2404A>G, p.Ile802Val (NM_001142552.2); short protein forms I802V.
Identifiers: ClinVar variation 3349868 (VCV003349868.1).